The following is an entry in ClinVar:

ClinVar aggregate classification (germline): Uncertain significance (1 of 4 stars; one submission).

Conditions:
46,XY sex reversal 6. Also called: 46,XY SEX REVERSAL, PARTIAL OR COMPLETE, MAP3K1-RELATED; 46,XY GONADAL DYSGENESIS, PARTIAL OR COMPLETE, MAP3K1-RELATED. Identifiers: MedGen C3151064, MONDO:0013410, OMIM 613762.

Submission:

Labcorp Genetics (formerly Invitae), Labcorp
Classification: Uncertain significance for 46,XY sex reversal 6. Last evaluated: 2025-06-19. Review status: criteria provided, single submitter. Criteria: Invitae Variant Classification Sherloc (09022015). Collection method: clinical testing. Allele origin: germline.
Comment: This sequence change affects codon 1222 of the MAP3K1 mRNA. It is a 'silent' change, meaning that it does not change the encoded amino acid sequence of the MAP3K1 protein. It affects a nucleotide within the consensus splice site. This variant is not present in population databases (gnomAD no frequency). This variant has not been reported in the literature in individuals affected with MAP3K1-related conditions. Algorithms developed to predict the effect of sequence changes on RNA splicing suggest that this variant is not likely to affect RNA splicing. In summary, the available evidence is currently insufficient to determine the role of this variant in disease. Therefore, it has been classified as a Variant of Uncertain Significance.

NM_005921.2(MAP3K1):c.3666T>C (p.Asp1222=)

Genes: MAP3K1 (mitogen-activated protein kinase kinase kinase 1; plus strand), LOC126807392 (CDK7 strongly-dependent group 2 enhancer GRCh37_chr5:56178189-56179388; plus strand). Cytogenetic location: 5q11.2.
Variant type: single nucleotide variant.
Coding change: c.3666T>C on transcript NM_005921.2 (MANE Select); coding-DNA position 3666, T replaced by C.
Protein change: p.Asp1222=; no amino-acid change (aspartic acid 1222 retained).
Molecular consequence: synonymous variant.
Genome position (GRCh38, 1-based): chr5:56,882,866, T>C. VCF-style: chr5-56882866-T-C. GRCh37 (hg19) VCF-style: chr5-56178693-T-C.
Identifiers: ClinVar variation 4721752 (VCV004721752.1).